The following is an entry in ClinVar:

ClinVar aggregate classification (germline): Uncertain significance (1 of 4 stars; one submission).

Conditions:
Developmental and epileptic encephalopathy, 30 (DEE30). Also called: Epileptic encephalopathy, early infantile, 30. Identifiers: MedGen C4225360, MONDO:0014595, OMIM 616341.

Submission:

Labcorp Genetics (formerly Invitae), Labcorp
Classification: Uncertain significance for Developmental and epileptic encephalopathy, 30. Last evaluated: 2022-02-05. Review status: criteria provided, single submitter. Criteria: Invitae Variant Classification Sherloc (09022015). Collection method: clinical testing. Allele origin: germline.
Comment: This variant has not been reported in the literature in individuals affected with SIK1-related conditions. This variant is not present in population databases (gnomAD no frequency). This sequence change replaces valine, which is neutral and non-polar, with methionine, which is neutral and non-polar, at codon 612 of the SIK1 protein (p.Val612Met). ClinVar contains an entry for this variant (Variation ID: 969684). In summary, the available evidence is currently insufficient to determine the role of this variant in disease. Therefore, it has been classified as a Variant of Uncertain Significance. Advanced modeling of protein sequence and biophysical properties (such as structural, functional, and spatial information, amino acid conservation, physicochemical variation, residue mobility, and thermodynamic stability) performed at Invitae indicates that this missense variant is not expected to disrupt SIK1 protein function.

NM_173354.5(SIK1):c.1834G>A (p.Val612Met)

Gene: SIK1 (salt inducible kinase 1; minus strand). Cytogenetic location: 21q22.3.
Variant type: single nucleotide variant.
Coding change: c.1834G>A on transcript NM_173354.5 (MANE Select); coding-DNA position 1834, G replaced by A.
Protein change: p.Val612Met; replaces valine 612 with methionine.
Molecular consequence: missense variant.
Genome position (GRCh38, 1-based): chr21:43,417,685, C>T on the plus strand (G>A on the coding strand, the complement: SIK1 is on the minus strand). VCF-style: chr21-43417685-C-T. GRCh37 (hg19) VCF-style: chr21-44837565-C-T.
Other names: short protein forms V612M.
Identifiers: ClinVar variation 969684 (VCV000969684.10), dbSNP rs1322191001, ClinGen allele CA410607200.
Genomic context (GRCh38, chr21:43,417,685, plus strand): 5'-CAGGGGCGTGGAAGGGGCTCAGGCCGCCCCTGCTGGCCCGGCTGGCGGGGGCCTGGCACA[C>T]CTGGCGAGCCAGCCCCTTGATTTTGTTCAGTCCCAGAAACCCTTTGGTCCGCGTGGTCTT-3'
Protein context (NP_775490.2, residues 602-622): LNKIKGLARQ[Val612Met]CQAPASRASR